The following is an entry in ClinVar:

NM_001114753.3(ENG):c.1573G>A (p.Glu525Lys)

Genes: ENG (endoglin; minus strand), LOC102723566 (uncharacterized LOC102723566; plus strand). Cytogenetic location: 9q34.11.
Variant type: single nucleotide variant.
Coding change: c.1573G>A on transcript NM_001114753.3 (MANE Select); coding-DNA position 1573, G replaced by A.
Protein change: p.Glu525Lys; replaces glutamic acid 525 with lysine.
Molecular consequence: missense variant.
Genome position (GRCh38, 1-based): chr9:127,818,233, C>T on the plus strand (G>A on the coding strand, the complement: ENG is on the minus strand). VCF-style: chr9-127818233-C-T. GRCh37 (hg19) VCF-style: chr9-130580512-C-T.
Other names: c.1573G>A (NM_001114753.1); c.1573G>A, p.Glu525Lys (NM_000118.4); c.1027G>A, p.Glu343Lys (NM_001278138.2); short protein forms E343K, E525K.
Identifiers: ClinVar variation 2152857 (VCV002152857.5), dbSNP rs773294798, ClinGen allele CA5252730.
Genomic context (GRCh38, chr9:127,818,233, plus strand): 5'-CGGTTTTGGGTATGGGTACTGTGTAGAAGTGGAGGAGGAAGCTGAAGCGCGGGTCACCCT[C>T]GGGGCTTGGGGACAGCAGGCTCACACAGTTGCCCTTGGCCGCCCGGCCCTGGATGAGTTC-3'
Protein context (NP_001108225.1, residues 515-535): NCVSLLSPSP[Glu525Lys]GDPRFSFLLH

ClinVar aggregate classification (germline): Conflicting classifications of pathogenicity. Review status: criteria provided, conflicting classifications (1 of 4 stars). 2 submissions from 2 submitters: Uncertain significance (1); Likely benign (1). Last evaluated 2026-01-12.

Conditions:
Cardiovascular phenotype. Identifiers: MedGen CN230736.
Hereditary hemorrhagic telangiectasia (HHT). Also called: ORW DISEASE; Osler Weber Rendu syndrome; OSLER-RENDU-WEBER DISEASE; Osler hemorrhagic telangiectasia syndrome. Identifiers: Orphanet 774, MedGen C0039445, MONDO:0019180. Disease mechanism: loss of function.

Allele frequency attached by ClinVar (database versions not stated): gnomAD 0.00001; TOPMed below 0.00001; ExAC 0.00001.
gnomAD v4.1: 18 of 1,614,106 alleles (0.0011%); highest among the groups gnomAD compares: East Asian, 0.0045%; no homozygotes.

Submissions (2):

Ambry Genetics
Classification: Uncertain significance for Cardiovascular phenotype. Last evaluated: 2026-01-12. Review status: criteria provided, single submitter. Criteria: Ambry Variant Classification Scheme 2023. Collection method: clinical testing. Allele origin: germline.
Comment: The p.E525K variant (also known as c.1573G>A), located in coding exon 12 of the ENG gene, results from a G to A substitution at nucleotide position 1573. The glutamic acid at codon 525 is replaced by lysine, an amino acid with similar properties. This amino acid position is conserved. In addition, this alteration is predicted to be tolerated by in silico analysis. Based on the available evidence, the clinical significance of this variant remains unclear.

Labcorp Genetics (formerly Invitae), Labcorp
Classification: Likely benign for Hereditary hemorrhagic telangiectasia. Last evaluated: 2025-04-18. Review status: criteria provided, single submitter. Criteria: Invitae Variant Classification Sherloc (09022015). Collection method: clinical testing. Allele origin: germline.